The following is an entry in ClinVar:

ClinVar aggregate classification (germline): Uncertain significance. Review status: criteria provided, multiple submitters, no conflicts (2 of 4 stars). 2 submissions from 2 submitters: Uncertain significance (2). Last evaluated 2025-10-21.

Conditions:
Inborn genetic diseases. Identifiers: MedGen C0950123, MeSH D030342.

gnomAD v4.1: 1 of 1,134,892 alleles (0.000088%); highest among the groups gnomAD compares: Middle Eastern, 0.037%; no homozygotes.

Submissions (2):

Labcorp Genetics (formerly Invitae), Labcorp
Classification: Uncertain significance. Last evaluated: 2025-10-21. Review status: criteria provided, single submitter. Criteria: Invitae Variant Classification Sherloc (09022015). Collection method: clinical testing. Allele origin: germline.
Comment: This sequence change replaces serine, which is neutral and polar, with leucine, which is neutral and non-polar, at codon 63 of the MNX1 protein (p.Ser63Leu). The frequency data for this variant in the population databases is considered unreliable, as metrics indicate insufficient coverage at this position in the gnomAD database. This variant has not been reported in the literature in individuals affected with MNX1-related conditions. ClinVar contains an entry for this variant (Variation ID: 2218600). Invitae Evidence Modeling of protein sequence and biophysical properties (such as structural, functional, and spatial information, amino acid conservation, physicochemical variation, residue mobility, and thermodynamic stability) indicates that this missense variant is not expected to disrupt MNX1 protein function with a negative predictive value of 80%. In summary, the available evidence is currently insufficient to determine the role of this variant in disease. Therefore, it has been classified as a Variant of Uncertain Significance.

Ambry Genetics
Classification: Uncertain significance for Inborn genetic diseases. Last evaluated: 2022-07-12. Review status: criteria provided, single submitter. Criteria: Ambry Variant Classification Scheme 2023. Collection method: clinical testing. Allele origin: germline.

NM_005515.4(MNX1):c.188C>T (p.Ser63Leu)

Gene: MNX1 (motor neuron and pancreas homeobox 1; minus strand). Cytogenetic location: 7q36.3.
Variant type: single nucleotide variant.
Coding change: c.188C>T on transcript NM_005515.4 (MANE Select); coding-DNA position 188, C replaced by T.
Protein change: p.Ser63Leu; replaces serine 63 with leucine.
Molecular consequence: missense variant.
Genome position (GRCh38, 1-based): chr7:157,010,163, G>A on the plus strand (C>T on the coding strand, the complement: MNX1 is on the minus strand). VCF-style: chr7-157010163-G-A. GRCh37 (hg19) VCF-style: chr7-156802857-G-A.
Other names: short protein forms S63L.
Identifiers: ClinVar variation 2218600 (VCV002218600.3), dbSNP rs2537781817, ClinGen allele CA370165068.